The following is an entry in ClinVar:

NM_203446.3(SYNJ1):c.161C>T (p.Ser54Phe)

Gene: SYNJ1 (synaptojanin 1; minus strand). Cytogenetic location: 21q22.11.
Variant type: single nucleotide variant.
Coding change: c.161C>T on transcript NM_203446.3 (MANE Select); coding-DNA position 161, C replaced by T.
Protein change: p.Ser54Phe; replaces serine 54 with phenylalanine.
Molecular consequence: missense variant.
Genome position (GRCh38, 1-based): chr21:32,702,011, G>A on the plus strand (C>T on the coding strand, the complement: SYNJ1 is on the minus strand). VCF-style: chr21-32702011-G-A. GRCh37 (hg19) VCF-style: chr21-34074321-G-A.
Other names: c.161C>T, p.Ser54Phe (NM_001160302.2, NM_001160306.2); c.278C>T, p.Ser93Phe (NM_003895.4); short protein forms S54F, S93F.
Identifiers: ClinVar variation 1037081 (VCV001037081.9), dbSNP rs2042421673, ClinGen allele CA410102552.

ClinVar aggregate classification (germline): Uncertain significance (1 of 4 stars; one submission).

Conditions:
Developmental and epileptic encephalopathy, 53. Also called: Epileptic encephalopathy, early infantile, 53. Identifiers: MedGen C4479313, MONDO:0033362, OMIM 617389.
Early-onset Parkinson disease 20. Also called: PARKINSON DISEASE 20, AUTOSOMAL RECESSIVE EARLY-ONSET. Identifiers: Orphanet 391411, MedGen C3809824, MONDO:0014233, OMIM 615530.

Allele frequency attached by ClinVar (database versions not stated): gnomAD exomes below 0.00001.
gnomAD v4.1: 1 of 1,574,058 alleles (0.000064%); highest among the groups gnomAD compares: Non-Finnish European, 0.000087%; no homozygotes.

Submission:

Labcorp Genetics (formerly Invitae), Labcorp
Classification: Uncertain significance for Developmental and epileptic encephalopathy, 53; Early-onset Parkinson disease 20. Last evaluated: 2022-02-03. Review status: criteria provided, single submitter. Criteria: Invitae Variant Classification Sherloc (09022015). Collection method: clinical testing. Allele origin: germline.
Comment: In summary, the available evidence is currently insufficient to determine the role of this variant in disease. Therefore, it has been classified as a Variant of Uncertain Significance. Algorithms developed to predict the effect of missense changes on protein structure and function are either unavailable or do not agree on the potential impact of this missense change (SIFT: "Deleterious"; PolyPhen-2: "Possibly Damaging"; Align-GVGD: "Class C0"). ClinVar contains an entry for this variant (Variation ID: 1037081). This variant has not been reported in the literature in individuals affected with SYNJ1-related conditions. This variant is not present in population databases (gnomAD no frequency). This sequence change replaces serine, which is neutral and polar, with phenylalanine, which is neutral and non-polar, at codon 93 of the SYNJ1 protein (p.Ser93Phe).